The following is an entry in ClinVar:

ClinVar aggregate classification (germline): Pathogenic (1 of 4 stars; one submission).

Submission:

Labcorp Genetics (formerly Invitae), Labcorp
Classification: Pathogenic. Last evaluated: 2022-08-19. Review status: criteria provided, single submitter. Criteria: Invitae Variant Classification Sherloc (09022015). Collection method: clinical testing. Allele origin: germline.
Comment: For these reasons, this variant has been classified as Pathogenic. This variant has not been reported in the literature in individuals affected with RIPK1-related conditions. This variant is a gross deletion of the genomic region encompassing exon(s) 8-9 of the RIPK1 gene. This deletion is out-of-frame, and is expected to create a premature termination codon and result in an absent or disrupted protein product. Loss-of-function variants in RIPK1 are known to be pathogenic (PMID: 31213653).

Literature cited by the submitters: PubMed 31213653.

NC_000006.11:g.(?_3104439)_(3106305_?)del

Gene: RIPK1 (receptor interacting serine/threonine kinase 1; plus strand). Cytogenetic location: 6p25.2.
Variant type: Deletion.
Identifiers: ClinVar variation 1459670 (VCV001459670.7).